The following is an entry in ClinVar:

NM_182920.2(ADAMTS9):c.2758C>T (p.Arg920Trp)

Gene: ADAMTS9 (ADAM metallopeptidase with thrombospondin type 1 motif 9; minus strand). Cytogenetic location: 3p14.1.
Variant type: single nucleotide variant.
Coding change: c.2758C>T on transcript NM_182920.2 (MANE Select); coding-DNA position 2758, C replaced by T.
Protein change: p.Arg920Trp; replaces arginine 920 with tryptophan.
Molecular consequence: missense variant.
Genome position (GRCh38, 1-based): chr3:64,621,169, G>A on the plus strand (C>T on the coding strand, the complement: ADAMTS9 is on the minus strand). VCF-style: chr3-64621169-G-A. GRCh37 (hg19) VCF-style: chr3-64606845-G-A.
Other names: c.2674C>T, p.Arg892Trp (NM_001318781.2); short protein forms R892W, R920W.
Identifiers: ClinVar variation 2359840 (VCV002359840.6), dbSNP rs200027180, ClinGen allele CA2481091.

ClinVar aggregate classification (germline): Uncertain significance. Review status: criteria provided, multiple submitters, no conflicts (2 of 4 stars). 2 submissions from 2 submitters: Uncertain significance (2). Last evaluated 2024-09-03.

Allele frequency attached by ClinVar (database versions not stated): ExAC 0.00005; TOPMed 0.00007; gnomAD 0.00008; 1000 Genomes Project 30x 0.00016; 1000 Genomes Project 0.00020; ESP Exome Variant Server 0.00023.
gnomAD v4.1: 218 of 1,613,864 alleles (0.014%); highest among the groups gnomAD compares: Non-Finnish European, 0.017%; no homozygotes.

Submissions (2):

Ambry Genetics
Classification: Uncertain significance. Last evaluated: 2024-09-03. Review status: criteria provided, single submitter. Criteria: Ambry Variant Classification Scheme 2023. Collection method: clinical testing. Allele origin: germline.

Labcorp Genetics (formerly Invitae), Labcorp
Classification: Uncertain significance. Last evaluated: 2023-03-13. Review status: criteria provided, single submitter. Criteria: Invitae Variant Classification Sherloc (09022015). Collection method: clinical testing. Allele origin: germline.
Comment: This sequence change replaces arginine, which is basic and polar, with tryptophan, which is neutral and slightly polar, at codon 920 of the ADAMTS9 protein (p.Arg920Trp). In summary, the available evidence is currently insufficient to determine the role of this variant in disease. Therefore, it has been classified as a Variant of Uncertain Significance. An algorithm developed to predict the effect of missense changes on protein structure and function (PolyPhen-2) suggests that this variant is likely to be tolerated. ClinVar contains an entry for this variant (Variation ID: 2359840). This variant has not been reported in the literature in individuals affected with ADAMTS9-related conditions. This variant is present in population databases (rs200027180, gnomAD 0.01%).